The following is an entry in ClinVar:

ClinVar aggregate classification (germline): Uncertain significance. Review status: criteria provided, multiple submitters, no conflicts (2 of 4 stars). 2 submissions from 2 submitters: Uncertain significance (2). Last evaluated 2022-07-15.

Conditions:
FAT1-related disorder. Also called: FAT1-related condition.

Allele frequency attached by ClinVar (database versions not stated): gnomAD exomes 0.00002; ExAC 0.00003; gnomAD 0.00003; TOPMed 0.00003.
gnomAD v4.1: 40 of 1,613,932 alleles (0.0025%); highest among the groups gnomAD compares: Non-Finnish European, 0.00076%; no homozygotes.

Submissions (2):

Labcorp Genetics (formerly Invitae), Labcorp
Classification: Uncertain significance. Last evaluated: 2022-07-15. Review status: criteria provided, single submitter. Criteria: Invitae Variant Classification Sherloc (09022015). Collection method: clinical testing. Allele origin: germline.
Comment: In summary, the available evidence is currently insufficient to determine the role of this variant in disease. Therefore, it has been classified as a Variant of Uncertain Significance. Algorithms developed to predict the effect of missense changes on protein structure and function are either unavailable or do not agree on the potential impact of this missense change (SIFT: "Deleterious"; PolyPhen-2: "Possibly Damaging"; Align-GVGD: "Class C15"). This variant has not been reported in the literature in individuals affected with FAT1-related conditions. This variant is present in population databases (rs752763243, gnomAD 0.1%). This sequence change replaces asparagine, which is neutral and polar, with serine, which is neutral and polar, at codon 2666 of the FAT1 protein (p.Asn2666Ser).

Department of Pathology and Laboratory Medicine, Sinai Health System
Classification: Uncertain significance for FAT1-related disorder. Last evaluated: 2020-07-14. Review status: criteria provided, single submitter. Criteria: ACMG Guidelines, 2015. Collection method: research. Allele origin: germline.

NM_005245.4(FAT1):c.7997A>G (p.Asn2666Ser)

Gene: FAT1 (FAT atypical cadherin 1; minus strand). Cytogenetic location: 4q35.2.
Variant type: single nucleotide variant.
Coding change: c.7997A>G on transcript NM_005245.4 (MANE Select); coding-DNA position 7997, A replaced by G.
Protein change: p.Asn2666Ser; replaces asparagine 2666 with serine.
Molecular consequence: missense variant.
Genome position (GRCh38, 1-based): chr4:186,618,589, T>C on the plus strand (A>G on the coding strand, the complement: FAT1 is on the minus strand). VCF-style: chr4-186618589-T-C. GRCh37 (hg19) VCF-style: chr4-187539743-T-C.
Other names: short protein forms N2666S.
Identifiers: ClinVar variation 1983364 (VCV001983364.5), dbSNP rs752763243, ClinGen allele CA3165954.
Genomic context (GRCh38, chr4:186,618,589, plus strand): 5'-ACAGATTCTTTTGATGGAGACCCATTATCCACAGCTCTAACAAAGAAAGTGAAGAATTCA[T>C]TTTCCAAGCCAATGAGGCTCTCCTTTGTAGTGATTACGCCGGACAGTTTGTTAATTTCCA-3'
Protein context (NP_005236.2, residues 2656-2676): TTKESLIGLE[Asn2666Ser]EFFTFFVRAV